The following is an entry in ClinVar:

NM_000169.3(GLA):c.373C>T (p.His125Tyr)

Genes: GLA (galactosidase alpha; minus strand), RPL36A-HNRNPH2 (RPL36A-HNRNPH2 readthrough; plus strand). Cytogenetic location: Xq22.1.
Variant type: single nucleotide variant.
Coding change: c.373C>T on transcript NM_000169.3 (MANE Select); coding-DNA position 373, C replaced by T.
Protein change: p.His125Tyr; replaces histidine 125 with tyrosine.
Molecular consequence: missense variant. On other transcripts: non-coding transcript variant (3), intron variant (2).
Genome position (GRCh38, 1-based): chrX:101,401,806, G>A on the plus strand (C>T on the coding strand, the complement: GLA is on the minus strand). VCF-style: chrX-101401806-G-A. GRCh37 (hg19) VCF-style: chrX-100656794-G-A.
Other names: c.496C>T, p.His166Tyr (NM_001406747.1, NM_001406749.1); c.373C>T, p.His125Tyr (NM_001406748.1); c.300+6349G>A (NM_001199973.2); c.177+9984G>A (NM_001199974.2); short protein forms H125Y, H166Y.
Identifiers: ClinVar variation 3724327 (VCV003724327.4), dbSNP rs869312296.
Genomic context (GRCh38, chrX:101,401,806, plus strand): 5'-AGCCTGCGCAGGTTTTATTTCCAACATCTGCATAAATCCCTAGCTTCAGTCCTTTGCTGT[G>A]AACCTGAAATGAGAGGGAGGAAAAGAGTCACCATTGTAGAAGCACAATCGTGAGGTAGCA-3'
Protein context (NP_000160.1, residues 115-135): HGIRQLANYV[His125Tyr]SKGLKLGIYA

ClinVar aggregate classification (germline): Uncertain significance. Review status: criteria provided, multiple submitters, no conflicts (2 of 4 stars). 2 submissions from 2 submitters: Uncertain significance (2). Last evaluated 2026-09-08.

Conditions:
Fabry disease. Also called: ALPHA-GALACTOSIDASE A DEFICIENCY; Fabry's disease; Ceramide trihexosidosis; Angiokeratoma corporis diffusum; ANDERSON-FABRY DISEASE; CERAMIDE TRIHEXOSIDASE DEFICIENCY. Identifiers: Orphanet 324, MedGen C0002986, MONDO:0010526, OMIM 301500, HP:0001071. Disease mechanism: loss of function, Fabry disease is due to inactivating mutations in the X-linked GLA gene resulting in deficiency of the enzyme Alpha Galactosidase-A..

Submissions (2):

Genomenon, Inc
Classification: Uncertain significance for Fabry disease. Last evaluated: 2026-09-08. Review status: criteria provided, single submitter. Criteria: Genomenon Sequence Variant Interpretation Standards - Updated. Collection method: curation. Allele origin: germline. Affected: yes.
Comment: GLA p.His125Tyr (c.373C>T) is a missense variant that changes the amino acid at codon 125 from Histidine to Tyrosine. This variant has been observed in at least one proband with clinical features consistent with Fabry disease (PMID:27560961). Functional or patient cell studies have been reported (PMID:27560961). It is absent or not present at a significant frequency in gnomAD. In silico models predict that this variant is possibly or probably damaging. In conclusion, we classify GLA p.His125Tyr (c.373C>T) as a variant of uncertain significance.

Labcorp Genetics (formerly Invitae), Labcorp
Classification: Uncertain significance for Fabry disease. Last evaluated: 2024-07-16. Review status: criteria provided, single submitter. Criteria: Invitae Variant Classification Sherloc (09022015). Collection method: clinical testing. Allele origin: germline.
Comment: This sequence change replaces histidine, which is basic and polar, with tyrosine, which is neutral and polar, at codon 125 of the GLA protein (p.His125Tyr). This variant is not present in population databases (gnomAD no frequency). This missense change has been observed in individual(s) with Fabry disease (PMID: 27560961; Invitae). Advanced modeling of protein sequence and biophysical properties (such as structural, functional, and spatial information, amino acid conservation, physicochemical variation, residue mobility, and thermodynamic stability) performed at Invitae indicates that this missense variant is expected to disrupt GLA protein function with a positive predictive value of 80%. This variant disrupts the p.His125 amino acid residue in GLA. Other variant(s) that disrupt this residue have been observed in individuals with GLA-related conditions (PMID: 18023222, 27560961), which suggests that this may be a clinically significant amino acid residue. In summary, the available evidence is currently insufficient to determine the role of this variant in disease. Therefore, it has been classified as a Variant of Uncertain Significance.

Literature cited by the submitters: PubMed 27560961 (cited by Genomenon, Inc and Labcorp Genetics (formerly Invitae), Labcorp); PubMed 18023222 (cited by Labcorp Genetics (formerly Invitae), Labcorp).